The following is an entry in ClinVar:

ClinVar aggregate classification (germline): Uncertain significance. Review status: criteria provided, multiple submitters, no conflicts (2 of 4 stars). 2 submissions from 2 submitters: Uncertain significance (2). Last evaluated 2024-06-17.

Conditions:
Pheochromocytoma. Also called: MAX-Related Hereditary Paraganglioma-Pheochromocytoma Syndrome. Identifiers: Orphanet 29072, MedGen C0031511, MONDO:0008233, OMIM 171300, HP:0002666.
Pheochromocytoma/paraganglioma syndrome 4. Also called: CAROTID BODY TUMORS AND MULTIPLE EXTRAADRENAL PHEOCHROMOCYTOMAS; PARAGANGLIOMA, FAMILIAL MALIGNANT; PARAGANGLIOMAS, HEREDITARY EXTRAADRENAL; PHEOCHROMOCYTOMA, FAMILIAL EXTRAADRENAL; Paragangliomas 4; SDHB-Related Hereditary Paraganglioma-Pheochromocytoma Syndrome (Paragangliomas 4). Identifiers: Orphanet 29072, MedGen C1861848, MONDO:0007273, OMIM 115310.
Gastrointestinal stromal tumor. Also called: Gastrointestinal stroma tumor; Gastrointestinal stromal tumor, somatic. Identifiers: Orphanet 44890, MedGen C0238198, MeSH D046152, MONDO:0011719, OMIM 606764, HP:0100723.
Hereditary cancer-predisposing syndrome. Also called: Tumor predisposition; Hereditary Cancer Syndrome; Hereditary neoplastic syndrome; Neoplastic Syndromes, Hereditary. Identifiers: Orphanet 140162, MedGen C0027672, MeSH D009386, MONDO:0015356.

Allele frequency attached by ClinVar (database versions not stated): gnomAD exomes below 0.00001.
gnomAD v4.1: 1 of 1,612,978 alleles (0.000062%); highest among the groups gnomAD compares: Non-Finnish European, 0.000085%; no homozygotes.

Submissions (2):

Labcorp Genetics (formerly Invitae), Labcorp
Classification: Uncertain significance for Gastrointestinal stromal tumor; Pheochromocytoma/paraganglioma syndrome 4; Pheochromocytoma. Last evaluated: 2024-06-17. Review status: criteria provided, single submitter. Criteria: Invitae Variant Classification Sherloc (09022015). Collection method: clinical testing. Allele origin: germline.
Comment: This sequence change replaces arginine, which is basic and polar, with serine, which is neutral and polar, at codon 10 of the SDHB protein (p.Arg10Ser). This variant is not present in population databases (gnomAD no frequency). This variant has not been reported in the literature in individuals affected with SDHB-related conditions. ClinVar contains an entry for this variant (Variation ID: 1378570). Advanced modeling of protein sequence and biophysical properties (such as structural, functional, and spatial information, amino acid conservation, physicochemical variation, residue mobility, and thermodynamic stability) performed at Invitae indicates that this missense variant is not expected to disrupt SDHB protein function with a negative predictive value of 95%. In summary, the available evidence is currently insufficient to determine the role of this variant in disease. Therefore, it has been classified as a Variant of Uncertain Significance.

Ambry Genetics
Classification: Uncertain significance for Hereditary cancer-predisposing syndrome. Last evaluated: 2023-09-04. Review status: criteria provided, single submitter. Criteria: Ambry Variant Classification Scheme 2023. Collection method: clinical testing. Allele origin: germline.
Comment: The p.R10S variant (also known as c.30G>T), located in coding exon 1 of the SDHB gene, results from a G to T substitution at nucleotide position 30. The arginine at codon 10 is replaced by serine, an amino acid with dissimilar properties. This amino acid position is conserved. In addition, the in silico prediction for this alteration is inconclusive. Since supporting evidence is limited at this time, the clinical significance of this alteration remains unclear.

NM_003000.3(SDHB):c.30G>T (p.Arg10Ser)

Gene: SDHB (succinate dehydrogenase complex iron sulfur subunit B; minus strand). Cytogenetic location: 1p36.13.
Variant type: single nucleotide variant.
Coding change: c.30G>T on transcript NM_003000.3 (MANE Select); coding-DNA position 30, G replaced by T.
Protein change: p.Arg10Ser; replaces arginine 10 with serine.
Molecular consequence: missense variant.
Genome position (GRCh38, 1-based): chr1:17,053,990, C>A on the plus strand (G>T on the coding strand, the complement: SDHB is on the minus strand). VCF-style: chr1-17053990-C-A. GRCh37 (hg19) VCF-style: chr1-17380485-C-A.
Other names: c.30G>T (NM_003000.2); short protein forms R10S.
Identifiers: ClinVar variation 1378570 (VCV001378570.10), dbSNP rs1024111417, ClinGen allele CA18612443.